The following is an entry in ClinVar:

NM_182943.3(PLOD2):c.1558C>A (p.Pro520Thr)

Gene: PLOD2 (procollagen-lysine,2-oxoglutarate 5-dioxygenase 2; minus strand). Cytogenetic location: 3q24.
Variant type: single nucleotide variant.
Coding change: c.1558C>A on transcript NM_182943.3 (MANE Select); coding-DNA position 1558, C replaced by A.
Protein change: p.Pro520Thr; replaces proline 520 with threonine.
Molecular consequence: missense variant. On other transcripts: intron variant (1).
Genome position (GRCh38, 1-based): chr3:146,077,867, G>T on the plus strand (C>A on the coding strand, the complement: PLOD2 is on the minus strand). VCF-style: chr3-146077867-G-T. GRCh37 (hg19) VCF-style: chr3-145795654-G-T.
Other names: c.1501-972C>A (NM_000935.3); short protein forms P520T.
Identifiers: ClinVar variation 1911253 (VCV001911253.2), dbSNP rs771162482, ClinGen allele CA2654847.

ClinVar aggregate classification (germline): Uncertain significance (1 of 4 stars; one submission).

Allele frequency attached by ClinVar (database versions not stated): ExAC 0.00001; gnomAD 0.00001; TOPMed 0.00003.
gnomAD v4.1: 76 of 1,576,102 alleles (0.0048%); highest among the groups gnomAD compares: Non-Finnish European, 0.0064%; no homozygotes.

Submission:

Labcorp Genetics (formerly Invitae), Labcorp
Classification: Uncertain significance. Last evaluated: 2022-07-19. Review status: criteria provided, single submitter. Criteria: Invitae Variant Classification Sherloc (09022015). Collection method: clinical testing. Allele origin: germline.
Comment: This sequence change replaces proline, which is neutral and non-polar, with threonine, which is neutral and polar, at codon 520 of the PLOD2 protein (p.Pro520Thr). This variant is present in population databases (rs771162482, gnomAD 0.005%). This variant has not been reported in the literature in individuals affected with PLOD2-related conditions. Algorithms developed to predict the effect of missense changes on protein structure and function are either unavailable or do not agree on the potential impact of this missense change (SIFT: "Deleterious"; PolyPhen-2: "Benign"; Align-GVGD: "Class C0"). In summary, the available evidence is currently insufficient to determine the role of this variant in disease. Therefore, it has been classified as a Variant of Uncertain Significance.